The following is an entry in ClinVar:

ClinVar aggregate classification (germline): Uncertain significance. Review status: criteria provided, multiple submitters, no conflicts (2 of 4 stars). 2 submissions from 2 submitters: Uncertain significance (2). Last evaluated 2024-08-23.

Conditions:
Autosomal recessive nonsyndromic hearing loss 1A (DFNB1A). Also called: GJB2-Related Autosomal Recessive Nonsyndromic Hearing Loss; GJB6-Related DFNB 1 Nonsyndromic Hearing Loss and Deafness; Deafness, autosomal recessive 1A; Connexin 26 deafness; Deafness nonsyndromic, Connexin 26 linked; Nonsyndromic Hearing Loss and Deafness, DFNB1. Identifiers: Orphanet 90636, MedGen C2673759, MONDO:0009076, OMIM 220290.
Autosomal recessive nonsyndromic hearing loss 1B. Also called: DEAFNESS, AUTOSOMAL RECESSIVE 1B. Identifiers: Orphanet 90636, MedGen C2675235, MONDO:0012977, OMIM 612645.
Autosomal dominant nonsyndromic hearing loss 3B. Identifiers: Orphanet 90635, MedGen C2675237, MONDO:0012975, OMIM 612643.
Hidrotic ectodermal dysplasia syndrome (GJB6). Also called: Hidrotic ectodermal dysplasia; Ectodermal dysplasia 2, hidrotic; Autosomal dominant hidrotic ectodermal dysplasia; Clouston syndrome; Clouston's hidrotic ectodermal dysplasia; CLOUSTON HIDROTIC ECTODERMAL DYSPLASIA. Identifiers: Orphanet 189, MedGen C0162361, MONDO:0007510, OMIM 129500.

Allele frequency attached by ClinVar (database versions not stated): gnomAD 0.00001; ExAC 0.00002; TOPMed 0.00001; gnomAD exomes 0.00002 and 0.00001.
gnomAD v4.1: 16 of 1,613,956 alleles (0.00099%); highest among the groups gnomAD compares: East Asian, 0.0022%; no homozygotes.

Submissions (2):

GeneDx
Classification: Uncertain significance. Last evaluated: 2024-08-23. Review status: criteria provided, single submitter. Criteria: GeneDx Variant Classification Process June 2021. Collection method: clinical testing. Allele origin: germline. Affected: yes.
Comment: Identified in a patient with bilateral hearing loss and a heterozygous variant in the GJB2 gene in published literature (PMID: 22106692); In silico analysis supports that this missense variant has a deleterious effect on protein structure/function; This variant is associated with the following publications: (PMID: 22106692)

Labcorp Genetics (formerly Invitae), Labcorp
Classification: Uncertain significance for Autosomal dominant nonsyndromic hearing loss 3B; Hidrotic ectodermal dysplasia syndrome; Autosomal recessive nonsyndromic hearing loss 1B; Autosomal recessive nonsyndromic hearing loss 1A. Last evaluated: 2022-05-12. Review status: criteria provided, single submitter. Criteria: Invitae Variant Classification Sherloc (09022015). Collection method: clinical testing. Allele origin: germline.
Comment: Algorithms developed to predict the effect of missense changes on protein structure and function (SIFT, PolyPhen-2, Align-GVGD) all suggest that this variant is likely to be disruptive. This missense change has been observed in individual(s) with deafness (PMID: 22106692). This variant is present in population databases (rs766604251, gnomAD 0.006%). This sequence change replaces arginine, which is basic and polar, with glutamine, which is neutral and polar, at codon 32 of the GJB6 protein (p.Arg32Gln). In summary, the available evidence is currently insufficient to determine the role of this variant in disease. Therefore, it has been classified as a Variant of Uncertain Significance.

Literature cited by the submitters: PubMed 22106692 (cited by Labcorp Genetics (formerly Invitae), Labcorp).

NM_001110219.3(GJB6):c.95G>A (p.Arg32Gln)

Gene: GJB6 (gap junction protein beta 6; minus strand). Cytogenetic location: 13q12.11.
Variant type: single nucleotide variant.
Coding change: c.95G>A on transcript NM_001110219.3 (MANE Select); coding-DNA position 95, G replaced by A.
Protein change: p.Arg32Gln; replaces arginine 32 with glutamine.
Molecular consequence: missense variant.
Genome position (GRCh38, 1-based): chr13:20,223,386, C>T on the plus strand (G>A on the coding strand, the complement: GJB6 is on the minus strand). VCF-style: chr13-20223386-C-T. GRCh37 (hg19) VCF-style: chr13-20797525-C-T.
Other names: c.95G>A, p.Arg32Gln (NM_006783.5, NM_001110220.3, NM_001110221.3 and 3 more transcripts); c.95G>A (NM_006783.4); short protein forms R32Q.
Identifiers: ClinVar variation 1447347 (VCV001447347.4), dbSNP rs766604251, ClinGen allele CA6904513.